The following is an entry in ClinVar:

NM_005883.3(APC2):c.5071G>A (p.Glu1691Lys)

Gene: APC2 (APC regulator of WNT signaling pathway 2; plus strand). Cytogenetic location: 19p13.3.
Variant type: single nucleotide variant.
Coding change: c.5071G>A on transcript NM_005883.3 (MANE Select); coding-DNA position 5071, G replaced by A.
Protein change: p.Glu1691Lys; replaces glutamic acid 1691 with lysine.
Molecular consequence: missense variant.
Genome position (GRCh38, 1-based): chr19:1,468,372, G>A. VCF-style: chr19-1468372-G-A. GRCh37 (hg19) VCF-style: chr19-1468371-G-A.
Other names: c.5068G>A, p.Glu1690Lys (NM_001351273.1); short protein forms E1690K, E1691K.
Identifiers: ClinVar variation 1976902 (VCV001976902.2), dbSNP rs1327516992, ClinGen allele CA403039747.

ClinVar aggregate classification (germline): Uncertain significance (1 of 4 stars; one submission).

gnomAD v4.1: 1 of 1,577,372 alleles (0.000063%); no homozygotes.

Submission:

Labcorp Genetics (formerly Invitae), Labcorp
Classification: Uncertain significance. Last evaluated: 2022-05-30. Review status: criteria provided, single submitter. Criteria: Invitae Variant Classification Sherloc (09022015). Collection method: clinical testing. Allele origin: germline.
Comment: This sequence change replaces glutamic acid, which is acidic and polar, with lysine, which is basic and polar, at codon 1691 of the APC2 protein (p.Glu1691Lys). This variant is not present in population databases (gnomAD no frequency). This variant has not been reported in the literature in individuals affected with APC2-related conditions. Algorithms developed to predict the effect of missense changes on protein structure and function are either unavailable or do not agree on the potential impact of this missense change (SIFT: "Deleterious"; PolyPhen-2: "Possibly Damaging"; Align-GVGD: "Class C0"). In summary, the available evidence is currently insufficient to determine the role of this variant in disease. Therefore, it has been classified as a Variant of Uncertain Significance.